The following is an entry in ClinVar:

NM_000059.4(BRCA2):c.1307del (p.Lys436fs)

Gene: BRCA2 (BRCA2 DNA repair associated; plus strand). Cytogenetic location: 13q13.1.
Variant type: Deletion.
Coding change: c.1307del on transcript NM_000059.4 (MANE Select); coding-DNA position 1307, one base deleted (A; older notation c.1307delA).
Protein change: p.Lys436fs; shifts the reading frame from lysine 436.
Molecular consequence: frameshift variant.
Genome position (GRCh38, 1-based): chr13:32,332,785, A deleted; the last of 3 consecutive A bases (chr13:32,332,783-32,332,785); deleting any one gives the same sequence. VCF-style (leftmost placement, unchanged base first): chr13-32332782-GA-G. GRCh37 (hg19) VCF-style: chr13-32906919-GA-G.
Other names: 1535delA; c.1307delA (NM_000059.3); short protein forms K436fs.
Identifiers: ClinVar variation 51098 (VCV000051098.9), dbSNP rs80359278, ClinGen allele CA011531.

ClinVar aggregate classification (germline): Pathogenic. Review status: reviewed by expert panel (3 of 4 stars). 4 submissions from 4 submitters: Pathogenic (1). 3 of the submissions do not count toward it. Last evaluated 2016-09-08.

Conditions:
Hereditary cancer-predisposing syndrome. Also called: Neoplastic Syndromes, Hereditary; Tumor predisposition; Hereditary Cancer Syndrome; Hereditary neoplastic syndrome. Identifiers: Orphanet 140162, MedGen C0027672, MeSH D009386, MONDO:0015356.
Hereditary breast ovarian cancer syndrome. Also called: Hereditary breast and ovarian cancer syndrome; Hereditary breast and ovarian cancer; Hereditary breast and ovarian cancer syndrome (HBOC); Breast and ovarian cancer; Hereditary breast and/or ovarian cancer syndrome; BRCA1- and BRCA2-Associated Hereditary Breast and Ovarian Cancer. Identifiers: Orphanet 145, MedGen C0677776, MeSH D061325, MONDO:0003582. Disease mechanism: loss of function.
Breast-ovarian cancer, familial, susceptibility to, 2 (BROVCA2). Also called: BRCA2 Hereditary Breast and Ovarian Cancer. Identifiers: Orphanet 145, MedGen C2675520, MONDO:0012933, OMIM 612555. Disease mechanism: loss of function.

Submissions (4):

Evidence-based Network for the Interpretation of Germline Mutant Alleles (ENIGMA)
Classification: Pathogenic for Breast-ovarian cancer, familial, susceptibility to, 2. Last evaluated: 2016-09-08. Review status: reviewed by expert panel. Criteria: ENIGMA BRCA1/2 Classification Criteria (2015). Collection method: curation. Allele origin: germline.
Comment: Variant allele predicted to encode a truncated non-functional protein.

Ambry Genetics
Classification: Pathogenic for Hereditary cancer-predisposing syndrome. Last evaluated: 2023-10-17. Review status: criteria provided, single submitter. Criteria: Ambry Variant Classification Scheme 2023. Collection method: clinical testing. Allele origin: germline. Not counted in ClinVar's aggregate classification.
Comment: The c.1307delA pathogenic mutation, located in coding exon 9 of the BRCA2 gene, results from a deletion of one nucleotide at nucleotide position 1307, causing a translational frameshift with a predicted alternate stop codon (p.K436Rfs*24). This variant is considered to be rare based on population cohorts in the Genome Aggregation Database (gnomAD). This alteration is expected to result in loss of function by premature protein truncation or nonsense-mediated mRNA decay. As such, this alteration is interpreted as a disease-causing mutation.

Labcorp Genetics (formerly Invitae), Labcorp
Classification: Pathogenic for Hereditary breast ovarian cancer syndrome. Last evaluated: 2021-05-19. Review status: criteria provided, single submitter. Criteria: Invitae Variant Classification Sherloc (09022015). Collection method: clinical testing. Allele origin: germline. Not counted in ClinVar's aggregate classification.
Comment: For these reasons, this variant has been classified as Pathogenic. This variant has not been reported in the literature in individuals with BRCA2-related conditions. ClinVar contains an entry for this variant (Variation ID: 51098). This variant is not present in population databases (ExAC no frequency). This sequence change creates a premature translational stop signal (p.Lys436Argfs*24) in the BRCA2 gene. It is expected to result in an absent or disrupted protein product. Loss-of-function variants in BRCA2 are known to be pathogenic (PMID: 20104584).

Breast Cancer Information Core (BIC) (BRCA2)
Classification: Pathogenic for Breast-ovarian cancer, familial 2. Review status: no assertion criteria provided. Collection method: clinical testing. Allele origin: germline. Affected: yes. Observed: 1 variant allele. Not counted in ClinVar's aggregate classification.

Literature cited by the submitters: PubMed 20104584 (cited by Labcorp Genetics (formerly Invitae), Labcorp).